The following is an entry in ClinVar:

ClinVar aggregate classification (germline): Conflicting classifications of pathogenicity. Review status: criteria provided, conflicting classifications (1 of 4 stars). 2 submissions from 2 submitters: Uncertain significance (1); Benign (1). Last evaluated 2026-02-03.

Submissions (2):

Labcorp Genetics (formerly Invitae), Labcorp
Classification: Benign. Last evaluated: 2026-02-03. Review status: criteria provided, single submitter. Criteria: Invitae Variant Classification Sherloc (09022015). Collection method: clinical testing. Allele origin: germline.

Women's Health and Genetics/Laboratory Corporation of America, LabCorp
Classification: Uncertain significance. Last evaluated: 2023-10-12. Review status: criteria provided, single submitter. Criteria: LabCorp Variant Classification Summary - May 2015. Collection method: clinical testing. Allele origin: germline.
Comment: Variant summary: CLTC c.2562-6dupT alters a non-conserved nucleotide located close to a canonical splice site and therefore could affect mRNA splicing, leading to a significantly altered protein sequence. Consensus agreement among computation tools predict no significant impact on normal splicing. However, these predictions have yet to be confirmed by functional studies. The variant was absent in 246110 control chromosomes. The available data on variant occurrences in the general population are insufficient to allow any conclusion about variant significance. To our knowledge, no occurrence of c.2562-6dupT in individuals affected with Intellectual Disability, Autosomal Dominant 56 and no experimental evidence demonstrating its impact on protein function have been reported. No submitters have cited clinical-significance assessments for this variant to ClinVar after 2014. Based on the evidence outlined above, the variant was classified as uncertain significance.

NM_004859.4(CLTC):c.2562-6dup

Gene: CLTC (clathrin heavy chain; plus strand). Cytogenetic location: 17q23.1.
Variant type: Duplication.
Coding change: c.2562-6dup on transcript NM_004859.4 (MANE Select); 6 bases into the intron before coding-DNA position 2562, one base duplicated (T; older notation c.2562-6dupT).
Molecular consequence: intron variant.
Genome position (GRCh38, 1-based): chr17:59,676,948, T duplicated; the last of 6 consecutive T bases (chr17:59,676,943-59,676,948); duplicating any one gives the same sequence. VCF-style (leftmost placement, unchanged base first): chr17-59676942-C-CT. GRCh37 (hg19) VCF-style: chr17-57754303-C-CT.
Other names: c.2574-6dup (NM_001288653.2); c.2562-6dupT (NM_004859.4).
Identifiers: ClinVar variation 2637695 (VCV002637695.4), dbSNP rs2032979866, ClinGen allele CA2268253562.